The following is an entry in ClinVar:

NM_000038.6(APC):c.3866G>A (p.Cys1289Tyr)

Gene: APC (APC regulator of Wnt signaling pathway; plus strand). Cytogenetic location: 5q22.2.
Variant type: single nucleotide variant.
Coding change: c.3866G>A on transcript NM_000038.6 (MANE Select); coding-DNA position 3866, G replaced by A.
Protein change: p.Cys1289Tyr; replaces cysteine 1289 with tyrosine.
Molecular consequence: missense variant.
Genome position (GRCh38, 1-based): chr5:112,839,460, G>A. VCF-style: chr5-112839460-G-A. GRCh37 (hg19) VCF-style: chr5-112175157-G-A.
Other names: c.3866G>A, p.Cys1289Tyr (NM_001127510.3, NM_001354895.2); c.3812G>A, p.Cys1271Tyr (NM_001127511.3); c.3920G>A, p.Cys1307Tyr (NM_001354896.2); c.3896G>A, p.Cys1299Tyr (NM_001354897.2); c.3791G>A, p.Cys1264Tyr (NM_001354898.2); c.3782G>A, p.Cys1261Tyr (NM_001354899.2); c.3743G>A, p.Cys1248Tyr (NM_001354900.2); c.3689G>A, p.Cys1230Tyr (NM_001354901.2); and 5 more; short protein forms C1006Y, C1129Y, C1230Y, C1261Y, C1248Y, C1188Y, C1198Y, C1271Y.
Identifiers: ClinVar variation 954769 (VCV000954769.15), dbSNP rs1765540901, ClinGen allele CA16029813.

ClinVar aggregate classification (germline): Uncertain significance. Review status: criteria provided, multiple submitters, no conflicts (2 of 4 stars). 3 submissions from 3 submitters: Uncertain significance (3). Last evaluated 2025-11-18.

Conditions:
Classic or attenuated familial adenomatous polyposis. Identifiers: MedGen CN372698, MONDO:0021057.
Hereditary cancer-predisposing syndrome. Also called: Hereditary neoplastic syndrome; Tumor predisposition; Neoplastic Syndromes, Hereditary; Hereditary Cancer Syndrome. Identifiers: Orphanet 140162, MedGen C0027672, MeSH D009386, MONDO:0015356.
Familial adenomatous polyposis 1 (FAP1). Also called: FAMILIAL ADENOMATOUS POLYPOSIS 1, ATTENUATED; POLYPOSIS, ADENOMATOUS INTESTINAL. Identifiers: MedGen C2713442, MONDO:0021056, OMIM 175100. Disease mechanism: loss of function.

Submissions (3):

Labcorp Genetics (formerly Invitae), Labcorp
Classification: Uncertain significance for Familial adenomatous polyposis 1. Last evaluated: 2025-11-18. Review status: criteria provided, single submitter. Criteria: Invitae Variant Classification Sherloc (09022015). Collection method: clinical testing. Allele origin: germline.
Comment: This sequence change replaces cysteine, which is neutral and slightly polar, with tyrosine, which is neutral and polar, at codon 1289 of the APC protein (p.Cys1289Tyr). This variant is not present in population databases (gnomAD no frequency). This variant has not been reported in the literature in individuals affected with APC-related conditions. ClinVar contains an entry for this variant (Variation ID: 954769). Invitae Evidence Modeling of protein sequence and biophysical properties (such as structural, functional, and spatial information, amino acid conservation, physicochemical variation, residue mobility, and thermodynamic stability) indicates that this missense variant is not expected to disrupt APC protein function with a negative predictive value of 95%. In summary, the available evidence is currently insufficient to determine the role of this variant in disease. Therefore, it has been classified as a Variant of Uncertain Significance.

Ambry Genetics
Classification: Uncertain significance for Hereditary cancer-predisposing syndrome. Last evaluated: 2024-08-13. Review status: criteria provided, single submitter. Criteria: Ambry Variant Classification Scheme 2023. Collection method: clinical testing. Allele origin: germline.
Comment: The p.C1289Y variant (also known as c.3866G>A), located in coding exon 15 of the APC gene, results from a G to A substitution at nucleotide position 3866. The cysteine at codon 1289 is replaced by tyrosine, an amino acid with highly dissimilar properties. This amino acid position is not well conserved in available vertebrate species. In addition, in silico predictors for this gene do not accurately predict pathogenicity. Missense alterations in APC are not a common cause of disease (Spier I et al. Genet Med. 2024 Feb;26(2):100992). Based on the available evidence, the clinical significance of this variant remains unclear.

All of Us Research Program, National Institutes of Health
Classification: Uncertain significance for Classic or attenuated familial adenomatous polyposis. Last evaluated: 2023-06-28. Review status: criteria provided, single submitter. Criteria: ACMG Guidelines, 2015. Collection method: clinical testing. Allele origin: germline. Inheritance: Autosomal dominant inheritance. Observed: 1 variant allele, 1 heterozygote.
Comment: This study involves interpretation of variants in research participants for the purpose of population health screening. Participant phenotype was not available at the time of variant classification. Additional details can be found in publication PMID: 35346344, PMCID: PMC8962531